The following is an entry in ClinVar:

ClinVar aggregate classification (germline): Likely benign (0 of 4 stars; one submission).

Conditions:
COL6A2-related disorder.

Allele frequency attached by ClinVar (database versions not stated): ExAC 0.00002; TOPMed 0.00006; gnomAD 0.00007; gnomAD exomes 0.00014.
gnomAD v4.1: 201 of 1,522,952 alleles (0.013%); highest among the groups gnomAD compares: Non-Finnish European, 0.017%; no homozygotes.

Submission:

PreventionGenetics, part of Exact Sciences
Classification: Likely benign for COL6A2-related condition. Last evaluated: 2019-06-17. Review status: no assertion criteria provided. Collection method: clinical testing. Allele origin: germline.
Comment: This variant is classified as likely benign based on ACMG/AMP sequence variant interpretation guidelines (Richards et al. 2015 PMID: 25741868, with internal and published modifications).

NM_001849.4(COL6A2):c.2462-2433C>G

Gene: COL6A2 (collagen type VI alpha 2 chain; plus strand). Cytogenetic location: 21q22.3.
Variant type: single nucleotide variant.
Coding change: c.2462-2433C>G on transcript NM_001849.4 (MANE Select); 2433 bases into the intron before coding-DNA position 2462, C replaced by G.
Molecular consequence: intron variant. On other transcripts: 3 prime UTR variant (2).
Genome position (GRCh38, 1-based): chr21:46,129,521, C>G. VCF-style: chr21-46129521-C-G. GRCh37 (hg19) VCF-style: chr21-47549435-C-G.
Other names: c.*30C>G (NM_058174.3); c.*593C>G (NM_058175.3).
Identifiers: ClinVar variation 3033994 (VCV003033994.2), dbSNP rs745420960, ClinGen allele CA10072867.
Genomic context (GRCh38, chr21:46,129,521, plus strand): 5'-GGACCCCGAGACCGCGCTGGCCCTCTGCTAAAGCCCGGGCACCCGCCCAGCCGGGCTGGG[C>G]CCTCCCTGCCACACTAGCTTCCCAGGGCTGCCCCCGACAGGCTGGCTCTCAGTGGAGGCC-3'